The following is an entry in ClinVar:

NM_006218.4(PIK3CA):c.2214A>C (p.Gln738His)

Gene: PIK3CA (phosphatidylinositol-4,5-bisphosphate 3-kinase catalytic subunit alpha; plus strand). Cytogenetic location: 3q26.32.
Variant type: single nucleotide variant.
Coding change: c.2214A>C on transcript NM_006218.4 (MANE Select); coding-DNA position 2214, A replaced by C.
Protein change: p.Gln738His; replaces glutamine 738 with histidine.
Molecular consequence: missense variant.
Genome position (GRCh38, 1-based): chr3:179,224,107, A>C. VCF-style: chr3-179224107-A-C. GRCh37 (hg19) VCF-style: chr3-178941895-A-C.
Other names: short protein forms Q738H.
Identifiers: ClinVar variation 3225351 (VCV003225351.1), dbSNP rs751886212, ClinGen allele CA355270305.

ClinVar aggregate classification (germline): Uncertain significance (1 of 4 stars; one submission).

Conditions:
Inborn genetic diseases. Identifiers: MedGen C0950123, MeSH D030342.

Submission:

Ambry Genetics
Classification: Uncertain significance for Inborn genetic diseases. Last evaluated: 2024-01-17. Review status: criteria provided, single submitter. Criteria: Ambry Variant Classification Scheme 2023. Collection method: clinical testing. Allele origin: germline.
Comment: The p.Q738H variant (also known as c.2214A>C), located in coding exon 14 of the PIK3CA gene, results from an A to C substitution at nucleotide position 2214. The glutamine at codon 738 is replaced by histidine, an amino acid with highly similar properties. This amino acid position is conserved. In addition, the in silico prediction for this alteration is inconclusive. Based on the available evidence, the clinical significance of this alteration remains unclear.